The following is an entry in ClinVar:

NM_000127.3(EXT1):c.1884-1G>T

Gene: EXT1 (exostosin glycosyltransferase 1; minus strand). Cytogenetic location: 8q24.11.
Variant type: single nucleotide variant.
Coding change: c.1884-1G>T on transcript NM_000127.3 (MANE Select); the canonical splice acceptor site of the intron before coding-DNA position 1884, G replaced by T.
Molecular consequence: splice acceptor variant.
Genome position (GRCh38, 1-based): chr8:117,804,894, C>A on the plus strand (G>T on the coding strand, the complement: EXT1 is on the minus strand). VCF-style: chr8-117804894-C-A. GRCh37 (hg19) VCF-style: chr8-118817133-C-A.
Identifiers: ClinVar variation 647797 (VCV000647797.9), dbSNP rs1131691623, ClinGen allele CA371877793.
Genomic context (GRCh38, chr8:117,804,894, plus strand): 5'-TGGTCCACCATGTTCTTCAGGCTGGCTGGCAGGTAATGGGAGTATAGGTAGTGATAATAT[C>A]TGTAAAAATCAAAGATGGGTTTCACAGGGGGCCATTATCACATGATGACAAGTGGACTTC-3'

ClinVar aggregate classification (germline): Pathogenic (1 of 4 stars; one submission).

Conditions:
Multiple congenital exostosis (EXT). Also called: Multiple osteochondromas; Hereditary multiple osteochondromas; Hereditary multiple exostoses; Hereditary multiple exostosis; MULTIPLE CARTILAGINOUS EXOSTOSES; Multiple exostoses. Identifiers: Orphanet 321, MedGen C0015306, MONDO:0005508, HP:0002762.

Submission:

Labcorp Genetics (formerly Invitae), Labcorp
Classification: Pathogenic for Multiple congenital exostosis. Last evaluated: 2022-10-28. Review status: criteria provided, single submitter. Criteria: Invitae Variant Classification Sherloc (09022015). Collection method: clinical testing. Allele origin: germline.
Comment: This variant is not present in population databases (gnomAD no frequency). This sequence change affects an acceptor splice site in intron 9 of the EXT1 gene. It is expected to disrupt RNA splicing. Variants that disrupt the donor or acceptor splice site typically lead to a loss of protein function (PMID: 16199547), and loss-of-function variants in EXT1 are known to be pathogenic (PMID: 10679937, 11391482, 19810120). Disruption of this splice site has been observed in individual(s) with hereditary multiple osteochondromas (PMID: 30334991; Invitae). ClinVar contains an entry for this variant (Variation ID: 647797). Algorithms developed to predict the effect of sequence changes on RNA splicing suggest that this variant may disrupt the consensus splice site. For these reasons, this variant has been classified as Pathogenic.

Literature cited by the submitters: PubMed 16199547; PubMed 10679937; PubMed 11391482; PubMed 19810120; PubMed 30334991.